The following is an entry in ClinVar:

NM_000286.3(PEX12):c.51G>C (p.Gln17His)

Gene: PEX12 (peroxisomal biogenesis factor 12; minus strand). Cytogenetic location: 17q12.
Variant type: single nucleotide variant.
Coding change: c.51G>C on transcript NM_000286.3 (MANE Select); coding-DNA position 51, G replaced by C.
Protein change: p.Gln17His; replaces glutamine 17 with histidine.
Molecular consequence: missense variant.
Genome position (GRCh38, 1-based): chr17:35,577,971, C>G on the plus strand (G>C on the coding strand, the complement: PEX12 is on the minus strand). VCF-style: chr17-35577971-C-G. GRCh37 (hg19) VCF-style: chr17-33904990-C-G.
Other names: short protein forms Q17H.
Identifiers: ClinVar variation 2419428 (VCV002419428.5), dbSNP rs561976188, ClinGen allele CA290070301.

ClinVar aggregate classification (germline): Uncertain significance (1 of 4 stars; one submission).

Conditions:
Peroxisome biogenesis disorder 3A (Zellweger). Also called: PEROXISOMAL BIOGENESIS DISORDER 3A (ZELLWEGER); Peroxisome biogenesis disorder 3A. Identifiers: Orphanet 912, MedGen C3553929, MONDO:0013927, OMIM 614859.

Allele frequency attached by ClinVar (database versions not stated): TOPMed below 0.00001; gnomAD 0.00001.
gnomAD v4.1: 7 of 1,614,148 alleles (0.00043%); highest among the groups gnomAD compares: Middle Eastern, 0.049%; no homozygotes.

Submission:

Labcorp Genetics (formerly Invitae), Labcorp
Classification: Uncertain significance for Peroxisome biogenesis disorder 3A (Zellweger). Last evaluated: 2022-08-31. Review status: criteria provided, single submitter. Criteria: Invitae Variant Classification Sherloc (09022015). Collection method: clinical testing. Allele origin: germline.
Comment: This variant has not been reported in the literature in individuals affected with PEX12-related conditions. In summary, the available evidence is currently insufficient to determine the role of this variant in disease. Therefore, it has been classified as a Variant of Uncertain Significance. Algorithms developed to predict the effect of missense changes on protein structure and function (SIFT, PolyPhen-2, Align-GVGD) all suggest that this variant is likely to be tolerated. This variant is present in population databases (rs561976188, gnomAD 0.0009%). This sequence change replaces glutamine, which is neutral and polar, with histidine, which is basic and polar, at codon 17 of the PEX12 protein (p.Gln17His).